The following is an entry in ClinVar:

ClinVar aggregate classification (germline): Uncertain significance (1 of 4 stars; one submission).

Conditions:
GLB1-related disorder. Also called: GLB1-related disorders. Identifiers: MedGen CN377807.

gnomAD v4.1: 3 of 1,514,012 alleles (0.0002%); highest among the groups gnomAD compares: East Asian, 0.0075%; no homozygotes.

Submission:

PreventionGenetics, part of Exact Sciences
Classification: Uncertain significance for GLB1-related condition. Last evaluated: 2024-10-29. Review status: criteria provided, single submitter. Criteria: ACMG Guidelines, 2015. Collection method: clinical testing. Allele origin: germline.
Comment: The GLB1 c.109C>G variant is predicted to result in the amino acid substitution p.Arg37Gly. To our knowledge, this variant has not been reported in the literature. This variant is reported in 0.013% of alleles in individuals of East Asian descent in gnomAD. At this time, the clinical significance of this variant is uncertain due to the absence of conclusive functional and genetic evidence.

NM_000404.4(GLB1):c.76-4491C>G

Gene: GLB1 (galactosidase beta 1; minus strand). Cytogenetic location: 3p22.3.
Variant type: single nucleotide variant.
Coding change: c.76-4491C>G on transcript NM_000404.4 (MANE Select); 4491 bases into the intron before coding-DNA position 76, C replaced by G.
Molecular consequence: intron variant. On other transcripts: missense variant (1).
Genome position (GRCh38, 1-based): chr3:33,077,204, G>C on the plus strand (C>G on the coding strand, the complement: GLB1 is on the minus strand). VCF-style: chr3-33077204-G-C. GRCh37 (hg19) VCF-style: chr3-33118696-G-C.
Other names: c.109C>G, p.Arg37Gly (NM_001317040.2); c.76-4491C>G (NM_001393580.1, NM_001135602.3); c.-15-4491C>G (NM_001079811.3); short protein forms R37G.
Identifiers: ClinVar variation 5002590 (VCV005002590.1).